The following is an entry in ClinVar:

NM_000059.4(BRCA2):c.9277_9287del (p.Leu3093fs)

Gene: BRCA2 (BRCA2 DNA repair associated; plus strand). Cytogenetic location: 13q13.1.
Variant type: Deletion.
Coding change: c.9277_9287del on transcript NM_000059.4 (MANE Select); coding-DNA positions 9277 to 9287, 11 bases deleted (TTGTCAGACGA).
Protein change: p.Leu3093fs; shifts the reading frame from leucine 3093.
Molecular consequence: frameshift variant.
Genome position (GRCh38, 1-based): chr13:32,394,709-32,394,719, TTGTCAGACGA deleted. VCF-style (leftmost placement, unchanged base first): chr13-32394708-TTTGTCAGACGA-T. GRCh37 (hg19) VCF-style: chr13-32968845-TTTGTCAGACGA-T.
Other names: 9505del11; short protein forms L3093fs.
Identifiers: ClinVar variation 267148 (VCV000267148.5), dbSNP rs886040827, ClinGen allele CA10589555.

ClinVar aggregate classification (germline): Pathogenic. Review status: reviewed by expert panel (3 of 4 stars). 2 submissions from 2 submitters: Pathogenic (1). 1 of the submissions does not count toward it. Last evaluated 2016-10-18.

Conditions:
Breast-ovarian cancer, familial, susceptibility to, 2 (BROVCA2). Also called: BRCA2 Hereditary Breast and Ovarian Cancer. Identifiers: Orphanet 145, MedGen C2675520, MONDO:0012933, OMIM 612555. Disease mechanism: loss of function.

Submissions (2):

Evidence-based Network for the Interpretation of Germline Mutant Alleles (ENIGMA)
Classification: Pathogenic for Breast-ovarian cancer, familial, susceptibility to, 2. Last evaluated: 2016-10-18. Review status: reviewed by expert panel. Criteria: ENIGMA BRCA1/2 Classification Criteria (2015). Collection method: curation. Allele origin: germline.
Comment: Variant allele predicted to encode a truncated non-functional protein.

Consortium of Investigators of Modifiers of BRCA1/2 (CIMBA), c/o University of Cambridge
Classification: Pathogenic for Breast-ovarian cancer, familial, susceptibility to, 2. Last evaluated: 2015-10-02. Review status: criteria provided, single submitter. Criteria: CIMBA Mutation Classification guidelines May 2016. Collection method: clinical testing. Allele origin: germline. Not counted in ClinVar's aggregate classification.